The following is an entry in ClinVar:

ClinVar aggregate classification (germline): Conflicting classifications of pathogenicity. Review status: criteria provided, conflicting classifications (1 of 4 stars). 3 submissions from 3 submitters: Uncertain significance (2); Benign (1). Last evaluated 2025-10-13.

Conditions:
Tuberous sclerosis 2 (TSC2). Identifiers: Orphanet 805, MedGen C1860707, MONDO:0013199, OMIM 613254.
Isolated focal cortical dysplasia type II (FCORD2). Also called: Focal cortical dysplasia type II; CORTICAL DYSPLASIA OF TAYLOR. Identifiers: Orphanet 268994, MedGen C1846385, MONDO:0011818, OMIM 607341, HP:0032051.
Hereditary cancer-predisposing syndrome. Also called: Tumor predisposition; Hereditary Cancer Syndrome; Neoplastic Syndromes, Hereditary; Hereditary neoplastic syndrome. Identifiers: Orphanet 140162, MedGen C0027672, MeSH D009386, MONDO:0015356.

Allele frequency attached by ClinVar (database versions not stated): gnomAD exomes below 0.00001; TOPMed below 0.00001; gnomAD 0.00001.

Submissions (3):

Labcorp Genetics (formerly Invitae), Labcorp
Classification: Benign for Tuberous sclerosis 2. Last evaluated: 2025-10-13. Review status: criteria provided, single submitter. Criteria: Invitae Variant Classification Sherloc (09022015). Collection method: clinical testing. Allele origin: germline.

Ambry Genetics
Classification: Uncertain significance for Hereditary cancer-predisposing syndrome. Last evaluated: 2025-08-26. Review status: criteria provided, single submitter. Criteria: Ambry Variant Classification Scheme 2023. Collection method: clinical testing. Allele origin: germline.
Comment: The p.E715A variant (also known as c.2144A>C), located in coding exon 19 of the TSC2 gene, results from an A to C substitution at nucleotide position 2144. The glutamic acid at codon 715 is replaced by alanine, an amino acid with dissimilar properties. This amino acid position is not well conserved in available vertebrate species. In addition, the in silico prediction for this alteration is inconclusive. Based on the available evidence, the clinical significance of this variant remains unclear.

Baylor Genetics
Classification: Uncertain significance for Isolated focal cortical dysplasia type II. Last evaluated: 2023-06-19. Review status: criteria provided, single submitter. Criteria: ACMG Guidelines, 2015. Collection method: clinical testing. Allele origin: unknown.

NM_000548.5(TSC2):c.2144A>C (p.Glu715Ala)

Gene: TSC2 (TSC complex subunit 2; plus strand). Cytogenetic location: 16p13.3.
Variant type: single nucleotide variant.
Coding change: c.2144A>C on transcript NM_000548.5 (MANE Select); coding-DNA position 2144, A replaced by C.
Protein change: p.Glu715Ala; replaces glutamic acid 715 with alanine.
Molecular consequence: missense variant.
Genome position (GRCh38, 1-based): chr16:2,072,287, A>C. VCF-style: chr16-2072287-A-C. GRCh37 (hg19) VCF-style: chr16-2122288-A-C.
Other names: c.2144A>C, p.Glu715Ala (NM_001077183.3, NM_001114382.3, NM_001363528.2 and 3 more transcripts); c.2033A>C, p.Glu678Ala (NM_001318827.2); c.1997A>C, p.Glu666Ala (NM_001318829.2); c.1544A>C, p.Glu515Ala (NM_001318831.2); c.2177A>C, p.Glu726Ala (NM_001318832.2); short protein forms E726A, E515A, E678A, E666A, E715A.
Identifiers: ClinVar variation 863196 (VCV000863196.14), dbSNP rs763351805, ClinGen allele CA276738276.